The following is an entry in ClinVar:

ClinVar aggregate classification (germline): Likely pathogenic (1 of 4 stars; one submission).

Conditions:
Fraser syndrome 1 (FRASRS1). Also called: CRYPTOPHTHALMOS WITH OTHER MALFORMATIONS. Identifiers: Orphanet 2052, MedGen C4551480, MONDO:0054737, OMIM 219000.

Submission:

Juno Genomics, Hangzhou Juno Genomics, Inc
Classification: Likely pathogenic for Fraser syndrome 1. Review status: criteria provided, single submitter. Criteria: ACMG Guidelines, 2015. Collection method: clinical testing. Allele origin: germline.
Comment: Null variant in a gene where loss of function (LOF) is a known mechanism of disease.;Absent from controls (or at extremely low frequency if recessive) in Genome Aggregation Database.

NM_025074.7(FRAS1):c.1647del (p.Gly550fs)

Gene: FRAS1 (Fraser extracellular matrix complex subunit 1; plus strand). Cytogenetic location: 4q21.21.
Variant type: Deletion.
Coding change: c.1647del on transcript NM_025074.7 (MANE Select); coding-DNA position 1647, one base deleted (A; older notation c.1647delA).
Protein change: p.Gly550fs; shifts the reading frame from glycine 550.
Molecular consequence: frameshift variant.
Genome position (GRCh38, 1-based): chr4:78,308,178, A deleted; the last of 4 consecutive A bases (chr4:78,308,175-78,308,178); deleting any one gives the same sequence. VCF-style (leftmost placement, unchanged base first): chr4-78308174-GA-G. GRCh37 (hg19) VCF-style: chr4-79229328-GA-G.
Other names: c.1647del, p.Gly550fs (NM_001166133.2); short protein forms G550fs.
Identifiers: ClinVar variation 5006794 (VCV005006794.2).